The following is an entry in ClinVar:

ClinVar aggregate classification (germline): Pathogenic (1 of 4 stars; one submission).

Conditions:
Osteogenesis imperfecta type 8 (OI8). Identifiers: MedGen C1970458, MONDO:0012581, OMIM 610915.

Submission:

Labcorp Genetics (formerly Invitae), Labcorp
Classification: Pathogenic for Osteogenesis imperfecta type 8. Last evaluated: 2024-02-12. Review status: criteria provided, single submitter. Criteria: Invitae Variant Classification Sherloc (09022015). Collection method: clinical testing. Allele origin: germline.
Comment: This sequence change creates a premature translational stop signal (p.Ala117Cysfs*64) in the P3H1 gene. It is expected to result in an absent or disrupted protein product. Loss-of-function variants in P3H1 are known to be pathogenic (PMID: 17277775, 18566967, 19088120, 22281939). This variant is present in population databases (no rsID available, gnomAD 0.003%). This premature translational stop signal has been observed in individual(s) with Osteogenesis imperfecta (PMID: 32123938). For these reasons, this variant has been classified as Pathogenic.

Literature cited by the submitters: PubMed 17277775; PubMed 18566967; PubMed 19088120; PubMed 22281939; PubMed 32123938.

NM_022356.4(P3H1):c.349_358del (p.Ala117fs)

Gene: P3H1 (prolyl 3-hydroxylase 1; minus strand). Cytogenetic location: 1p34.2.
Variant type: Deletion.
Coding change: c.349_358del on transcript NM_022356.4 (MANE Select); coding-DNA positions 349 to 358, 10 bases deleted (GCTGCCTGCC; older notation c.349_358delGCTGCCTGCC).
Protein change: p.Ala117fs; shifts the reading frame from alanine 117.
Molecular consequence: frameshift variant.
Genome position (GRCh38, 1-based): chr1:42,766,614-42,766,623, GGCAGGCAGC deleted on the plus strand (GCTGCCTGCC on the coding strand, the reverse complement: P3H1 is on the minus strand); deleting any 10 consecutive bases within chr1:42,766,614-42,766,624 gives the same sequence; the c. name uses the placement nearest the transcript's 3' end. VCF-style (leftmost placement, unchanged base first): chr1-42766613-AGGCAGGCAGC-A. GRCh37 (hg19) VCF-style: chr1-43232284-AGGCAGGCAGC-A.
Other names: c.349_358del, p.Ala117fs (NM_001146289.2, NM_001243246.2); short protein forms A117fs.
Identifiers: ClinVar variation 3676993 (VCV003676993.2).